The following is an entry in ClinVar:

ClinVar aggregate classification (germline): Benign/Likely benign. Review status: criteria provided, multiple submitters, no conflicts (2 of 4 stars). 4 submissions from 4 submitters: Benign (2); Likely benign (2). Last evaluated 2026-02-03.

Conditions:
Brugada syndrome 5 (BRGDA5). Identifiers: Orphanet 130, Orphanet 871, MedGen C2748541, MONDO:0013015, OMIM 612838.

Allele frequency attached by ClinVar (database versions not stated): gnomAD 0.00006; TOPMed 0.00009; 1000 Genomes Project 0.00060; 1000 Genomes Project 30x 0.00062.
gnomAD v4.1: 78 of 1,614,044 alleles (0.0048%); highest among the groups gnomAD compares: Admixed American, 0.1%; no homozygotes.

Submissions (4):

Labcorp Genetics (formerly Invitae), Labcorp
Classification: Likely benign for Brugada syndrome 5. Last evaluated: 2026-02-03. Review status: criteria provided, single submitter. Criteria: Invitae Variant Classification Sherloc (09022015). Collection method: clinical testing. Allele origin: germline.

Women's Health and Genetics/Laboratory Corporation of America, LabCorp
Classification: Benign. Last evaluated: 2022-10-02. Review status: criteria provided, single submitter. Criteria: LabCorp Variant Classification Summary - May 2015. Collection method: clinical testing. Allele origin: germline.

Athena Diagnostics
Classification: Likely benign. Last evaluated: 2021-04-29. Review status: criteria provided, single submitter. Criteria: Athena Diagnostics criteria. Collection method: clinical testing. Allele origin: unknown.

GeneDx
Classification: Benign. Last evaluated: 2014-04-22. Review status: criteria provided, single submitter. Criteria: GeneDx Variant Classification (06012015). Collection method: clinical testing. Allele origin: germline. Affected: yes.
Comment: This variant is considered likely benign or benign based on one or more of the following criteria: it is a conservative change, it occurs at a poorly conserved position in the protein, it is predicted to be benign by multiple in silico algorithms, and/or has population frequency not consistent with disease.

NM_001037.5(SCN1B):c.448+8G>C

Gene: SCN1B (sodium voltage-gated channel beta subunit 1; plus strand). Cytogenetic location: 19q13.11.
Variant type: single nucleotide variant.
Coding change: c.448+8G>C on transcript NM_001037.5 (MANE Select); 8 bases into the intron after coding-DNA position 448, G replaced by C.
Molecular consequence: intron variant. On other transcripts: synonymous variant (1).
Genome position (GRCh38, 1-based): chr19:35,033,747, G>C. VCF-style: chr19-35033747-G-C. GRCh37 (hg19) VCF-style: chr19-35524651-G-C.
Other names: p.S152S:TCG>TCC; c.456G>C, p.Ser152= (NM_199037.5); c.349+8G>C (NM_001321605.2).
Identifiers: ClinVar variation 138996 (VCV000138996.15), dbSNP rs200222933, ClinGen allele CA293216.